The following is an entry in ClinVar:

ClinVar aggregate classification (germline): Uncertain significance. Review status: criteria provided, multiple submitters, no conflicts (2 of 4 stars). 2 submissions from 2 submitters: Uncertain significance (2). Last evaluated 2025-06-13.

Allele frequency attached by ClinVar (database versions not stated): gnomAD 0.00001; TOPMed 0.00002.

Submissions (2):

Revvity Omics, Revvity
Classification: Uncertain significance. Last evaluated: 2025-06-13. Review status: criteria provided, single submitter. Criteria: ACMG Guidelines, 2015. Collection method: clinical testing. Allele origin: germline.

Labcorp Genetics (formerly Invitae), Labcorp
Classification: Uncertain significance. Last evaluated: 2023-08-24. Review status: criteria provided, single submitter. Criteria: Invitae Variant Classification Sherloc (09022015). Collection method: clinical testing. Allele origin: germline.
Comment: This sequence change replaces isoleucine, which is neutral and non-polar, with leucine, which is neutral and non-polar, at codon 64 of the DNM1L protein (p.Ile64Leu). This variant is present in population databases (no rsID available, gnomAD 0.002%). This variant has not been reported in the literature in individuals affected with DNM1L-related conditions. ClinVar contains an entry for this variant (Variation ID: 2197615). An algorithm developed to predict the effect of missense changes on protein structure and function (PolyPhen-2) suggests that this variant is likely to be tolerated. In summary, the available evidence is currently insufficient to determine the role of this variant in disease. Therefore, it has been classified as a Variant of Uncertain Significance.

NM_012062.5(DNM1L):c.190A>C (p.Ile64Leu)

Gene: DNM1L (dynamin 1 like; plus strand). Cytogenetic location: 12p11.21.
Variant type: single nucleotide variant.
Coding change: c.190A>C on transcript NM_012062.5 (MANE Select); coding-DNA position 190, A replaced by C.
Protein change: p.Ile64Leu; replaces isoleucine 64 with leucine.
Molecular consequence: missense variant. On other transcripts: 5 prime UTR variant (1).
Genome position (GRCh38, 1-based): chr12:32,701,502, A>C. VCF-style: chr12-32701502-A-C. GRCh37 (hg19) VCF-style: chr12-32854436-A-C.
Other names: c.190A>C, p.Ile64Leu (NM_001278463.2, NM_001278464.2, NM_001278465.2 and 3 more transcripts); c.-16A>C (NM_001278466.2); short protein forms I64L.
Identifiers: ClinVar variation 2197615 (VCV002197615.5), dbSNP rs1203150153, ClinGen allele CA384363496.